The following is an entry in ClinVar:

ClinVar aggregate classification (germline): Uncertain significance (1 of 4 stars; one submission).

Conditions:
Fanconi anemia (FA). Also called: Fanconi's anemia. Identifiers: Orphanet 84, MedGen C0015625, MeSH D005199, MONDO:0019391.

Submission:

Labcorp Genetics (formerly Invitae), Labcorp
Classification: Uncertain significance for Fanconi anemia. Last evaluated: 2022-07-15. Review status: criteria provided, single submitter. Criteria: Invitae Variant Classification Sherloc (09022015). Collection method: clinical testing. Allele origin: germline.
Comment: In summary, the available evidence is currently insufficient to determine the role of this variant in disease. Therefore, it has been classified as a Variant of Uncertain Significance. Algorithms developed to predict the effect of missense changes on protein structure and function are either unavailable or do not agree on the potential impact of this missense change (SIFT: "Deleterious"; PolyPhen-2: "Probably Damaging"; Align-GVGD: "Class C0"). This variant has not been reported in the literature in individuals affected with FANCM-related conditions. This variant is not present in population databases (gnomAD no frequency). This sequence change replaces serine, which is neutral and polar, with tyrosine, which is neutral and polar, at codon 997 of the FANCM protein (p.Ser997Tyr).

NM_020937.4(FANCM):c.2990C>A (p.Ser997Tyr)

Gene: FANCM (FA complementation group M; plus strand). Cytogenetic location: 14q21.2.
Variant type: single nucleotide variant.
Coding change: c.2990C>A on transcript NM_020937.4 (MANE Select); coding-DNA position 2990, C replaced by A.
Protein change: p.Ser997Tyr; replaces serine 997 with tyrosine.
Molecular consequence: missense variant.
Genome position (GRCh38, 1-based): chr14:45,175,744, C>A. VCF-style: chr14-45175744-C-A. GRCh37 (hg19) VCF-style: chr14-45644947-C-A.
Other names: c.2912C>A, p.Ser971Tyr (NM_001308133.2); short protein forms S971Y, S997Y.
Identifiers: ClinVar variation 1714051 (VCV001714051.5), dbSNP rs1888639481, ClinGen allele CA389599629.
Genomic context (GRCh38, chr14:45,175,744, plus strand): 5'-ATAATTGTCACTCATTGACAAAAGAGGTACTAGCTAATGTAGAGAGATTTTTATCTTATT[C>A]TCCTCCGCCTCTCAGTGGACTCTCAGACTTGGAATATGAAATTGCTAAGGGTACTGCACT-3'
Protein context (NP_065988.1, residues 987-1007): LANVERFLSY[Ser997Tyr]PPPLSGLSDL